The following is an entry in ClinVar:

ClinVar aggregate classification (germline): Likely benign. Review status: criteria provided, multiple submitters, no conflicts (2 of 4 stars). 2 submissions from 2 submitters: Likely benign (2). Last evaluated 2025-08-13.

Conditions:
PLEC-related disorder. Also called: PLEC-related condition; PLEC-related disorders.
Autosomal recessive limb-girdle muscular dystrophy type 2Q (LGMDR17). Also called: MUSCULAR DYSTROPHY, LIMB-GIRDLE, AUTOSOMAL RECESSIVE 17. Identifiers: Orphanet 254361, MedGen C3150989, MONDO:0013390, OMIM 613723.
Epidermolysis bullosa simplex with nail dystrophy (EBS5D). Identifiers: MedGen C4225309, MONDO:0014661, OMIM 616487.
Epidermolysis bullosa simplex 5B, with muscular dystrophy (EBS5B). Also called: EPIDERMOLYSIS BULLOSA SIMPLEX AND LIMB-GIRDLE MUSCULAR DYSTROPHY; Epidermolysis bullosa simplex with muscular dystrophy. Identifiers: Orphanet 257, MedGen C2931072, MONDO:0009181, OMIM 226670.
Epidermolysis bullosa simplex, Ogna type (EBS5A). Also called: Pidermolysis bullosa simplex 5A, Ogna type; EPIDERMOLYSIS BULLOSA SIMPLEX 5A, OGNA TYPE. Identifiers: Orphanet 79401, MedGen C0432317, MONDO:0007555, OMIM 131950.
Epidermolysis bullosa simplex 5C, with pyloric atresia (EBS5C). Also called: PLEC1-Related Epidermolysis Bullosa with Pyloric Atresia; PLEC-Related Epidermolysis Bullosa with Pyloric Atresia; Epidermolysis bullosa simplex with pyloric atresia. Identifiers: Orphanet 158684, MedGen C2677349, MONDO:0012807, OMIM 612138.

Allele frequency attached by ClinVar (database versions not stated): gnomAD 0.00002; gnomAD exomes 0.00003 and 0.00007; ExAC 0.00006.
gnomAD v4.1: 52 of 1,608,952 alleles (0.0032%); highest among the groups gnomAD compares: South Asian, 0.037%; 2 homozygotes.

Submissions (2):

PreventionGenetics, part of Exact Sciences
Classification: Likely benign for PLEC-related condition. Last evaluated: 2025-08-13. Review status: criteria provided, single submitter. Criteria: ACMG Guidelines, 2015. Collection method: clinical testing. Allele origin: germline.
Comment: This variant is classified as likely benign based on ACMG/AMP sequence variant interpretation guidelines (Richards et al. 2015 PMID: 25741868, with internal and published modifications).

Labcorp Genetics (formerly Invitae), Labcorp
Classification: Likely benign for Autosomal recessive limb-girdle muscular dystrophy type 2Q; Epidermolysis bullosa simplex, Ogna type; Epidermolysis bullosa simplex with nail dystrophy; Epidermolysis bullosa simplex 5C, with pyloric atresia; Epidermolysis bullosa simplex 5B, with muscular dystrophy. Last evaluated: 2024-11-14. Review status: criteria provided, single submitter. Criteria: Invitae Variant Classification Sherloc (09022015). Collection method: clinical testing. Allele origin: germline.

NM_201384.3(PLEC):c.12528C>T (p.Cys4176=)

Gene: PLEC (plectin; minus strand). Cytogenetic location: 8q24.3.
Variant type: single nucleotide variant.
Coding change: c.12528C>T on transcript NM_201384.3 (MANE Select); coding-DNA position 12528, C replaced by T.
Protein change: p.Cys4176=; no amino-acid change (cysteine 4176 retained).
Molecular consequence: synonymous variant.
Genome position (GRCh38, 1-based): chr8:143,917,293, G>A on the plus strand (C>T on the coding strand, the complement: PLEC is on the minus strand). VCF-style: chr8-143917293-G-A. GRCh37 (hg19) VCF-style: chr8-144991461-G-A.
Other names: c.12609C>T (NM_000445.4); c.12939C>T, p.Cys4313= (NM_201380.4); c.12432C>T, p.Cys4144= (NM_201381.3); c.12528C>T, p.Cys4176= (NM_201382.4); c.12540C>T, p.Cys4180= (NM_201383.3); c.12609C>T, p.Cys4203= (NM_000445.5); c.12486C>T, p.Cys4162= (NM_201378.4); c.12462C>T, p.Cys4154= (NM_201379.3).
Identifiers: ClinVar variation 1375007 (VCV001375007.9), dbSNP rs782543480, ClinGen allele CA4924064.